The following is an entry in ClinVar:

ClinVar aggregate classification (germline): Conflicting classifications of pathogenicity. Review status: criteria provided, conflicting classifications (1 of 4 stars). 4 submissions from 4 submitters: Uncertain significance (3); Likely benign (1). Last evaluated 2024-09-20.

Conditions:
Inborn genetic diseases. Identifiers: MedGen C0950123, MeSH D030342.
3M syndrome 1. Also called: 3-M Syndrome, CUL7-Related. Identifiers: Orphanet 2616, MedGen C2678312, MONDO:0010117, OMIM 273750.

Allele frequency attached by ClinVar (database versions not stated): gnomAD 0.00001 and 0.00003; ExAC 0.00002; gnomAD exomes 0.00002; TOPMed 0.00003; ESP Exome Variant Server 0.00008.
gnomAD v4.1: 36 of 1,614,120 alleles (0.0022%); highest among the groups gnomAD compares: Middle Eastern, 0.016%; no homozygotes.

Submissions (4):

3billion
Classification: Likely benign for 3M syndrome 1. Last evaluated: 2024-09-20. Review status: criteria provided, single submitter. Criteria: ACMG Guidelines, 2015. Collection method: clinical testing. Allele origin: germline. Affected: no.
Comment: The homozygous variant was found in patients diagnosed with another variant in a different gene, with no symptoms related to the gene containing the homozygous variant.

Ambry Genetics
Classification: Uncertain significance for Inborn genetic diseases. Last evaluated: 2024-03-15. Review status: criteria provided, single submitter. Criteria: Ambry Variant Classification Scheme 2023. Collection method: clinical testing. Allele origin: germline.

Labcorp Genetics (formerly Invitae), Labcorp
Classification: Uncertain significance. Last evaluated: 2023-05-15. Review status: criteria provided, single submitter. Criteria: Invitae Variant Classification Sherloc (09022015). Collection method: clinical testing. Allele origin: germline.
Comment: In summary, the available evidence is currently insufficient to determine the role of this variant in disease. Therefore, it has been classified as a Variant of Uncertain Significance. An algorithm developed to predict the effect of missense changes on protein structure and function (PolyPhen-2) suggests that this variant is likely to be tolerated. ClinVar contains an entry for this variant (Variation ID: 911419). This variant has not been reported in the literature in individuals affected with CUL7-related conditions. This variant is present in population databases (rs369045809, gnomAD 0.01%). This sequence change replaces valine, which is neutral and non-polar, with isoleucine, which is neutral and non-polar, at codon 1524 of the CUL7 protein (p.Val1524Ile).

Illumina Laboratory Services, Illumina
Classification: Uncertain significance for 3M syndrome 1. Last evaluated: 2018-01-13. Review status: criteria provided, single submitter. Criteria: ICSL Variant Classification Criteria 13 December 2019. Collection method: clinical testing. Allele origin: germline.

NM_014780.5(CUL7):c.4570G>A (p.Val1524Ile)

Gene: CUL7 (cullin 7; minus strand). Cytogenetic location: 6p21.1.
Variant type: single nucleotide variant.
Coding change: c.4570G>A on transcript NM_014780.5 (MANE Select); coding-DNA position 4570, G replaced by A.
Protein change: p.Val1524Ile; replaces valine 1524 with isoleucine.
Molecular consequence: missense variant.
Genome position (GRCh38, 1-based): chr6:43,038,470, C>T on the plus strand (G>A on the coding strand, the complement: CUL7 is on the minus strand). VCF-style: chr6-43038470-C-T. GRCh37 (hg19) VCF-style: chr6-43006208-C-T.
Other names: c.4666G>A, p.Val1556Ile (NM_001168370.2, NM_001374872.1); c.4582G>A, p.Val1528Ile (NM_001374873.1); c.4567G>A, p.Val1523Ile (NM_001374874.1); short protein forms V1524I, V1556I, V1523I, V1528I.
Identifiers: ClinVar variation 911419 (VCV000911419.14), dbSNP rs369045809, ClinGen allele CA3813161.